The following is an entry in ClinVar:

NC_000007.13:g.(?_107336368)_(107355960_?)del

Gene: SLC26A4 (solute carrier family 26 member 4; plus strand). Cytogenetic location: 7q22.3.
Variant type: Deletion.
Identifiers: ClinVar variation 1067489 (VCV001067489.5).

ClinVar aggregate classification (germline): Likely pathogenic (1 of 4 stars; one submission).

Submission:

Labcorp Genetics (formerly Invitae), Labcorp
Classification: Likely pathogenic. Last evaluated: 2022-09-19. Review status: criteria provided, single submitter. Criteria: Invitae Variant Classification Sherloc (09022015). Collection method: clinical testing. Allele origin: germline.
Comment: This variant is a gross deletion of the genomic region encompassing exon(s) 13-21 of the SLC26A4 gene, which includes the termination codon. This deletion extends beyond the assayed region for this gene and therefore may encompass additional genes. While this deletion is not anticipated to lead to nonsense mediated decay, it is expected to alter mRNA translation or result in a truncated protein product. This variant has not been reported in the literature in individuals affected with SLC26A4-related conditions. This variant disrupts the p.Gly497 amino acid residue in SLC26A4. Other variant(s) that disrupt this residue have been determined to be pathogenic (PMID: 9500541, 26763877, 28964290). This suggests that this residue is clinically significant, and that variants that disrupt this residue are likely to be disease-causing. In summary, the currently available evidence indicates that the variant is pathogenic, but additional data are needed to prove that conclusively. Therefore, this variant has been classified as Likely Pathogenic.

Literature cited by the submitters: PubMed 9500541; PubMed 26763877; PubMed 28964290.